The following is an entry in ClinVar:

NM_000836.4(GRIN2D):c.3514C>A (p.Arg1172Ser)

Gene: GRIN2D (glutamate ionotropic receptor NMDA type subunit 2D; plus strand). Cytogenetic location: 19q13.33.
Variant type: single nucleotide variant.
Coding change: c.3514C>A on transcript NM_000836.4 (MANE Select); coding-DNA position 3514, C replaced by A.
Protein change: p.Arg1172Ser; replaces arginine 1172 with serine.
Molecular consequence: missense variant.
Genome position (GRCh38, 1-based): chr19:48,443,440, C>A. VCF-style: chr19-48443440-C-A. GRCh37 (hg19) VCF-style: chr19-48946697-C-A.
Other names: short protein forms R1172S.
Identifiers: ClinVar variation 2413570 (VCV002413570.6), dbSNP rs762270198, ClinGen allele CA9550865.

ClinVar aggregate classification (germline): Uncertain significance (1 of 4 stars; one submission).

Allele frequency attached by ClinVar (database versions not stated): TOPMed below 0.00001; gnomAD 0.00001; 1000 Genomes Project 30x 0.00031.
gnomAD v4.1: 13 of 1,384,516 alleles (0.00094%); highest among the groups gnomAD compares: South Asian, 0.016%; no homozygotes.

Submission:

Labcorp Genetics (formerly Invitae), Labcorp
Classification: Uncertain significance. Last evaluated: 2026-01-12. Review status: criteria provided, single submitter. Criteria: Invitae Variant Classification Sherloc (09022015). Collection method: clinical testing. Allele origin: germline.
Comment: This sequence change replaces arginine, which is basic and polar, with serine, which is neutral and polar, at codon 1172 of the GRIN2D protein (p.Arg1172Ser). The frequency data for this variant in the population databases is considered unreliable, as metrics indicate poor data quality at this position in the gnomAD database. This variant has not been reported in the literature in individuals affected with GRIN2D-related conditions. ClinVar contains an entry for this variant (Variation ID: 2413570). Invitae Evidence Modeling of protein sequence and biophysical properties (such as structural, functional, and spatial information, amino acid conservation, physicochemical variation, residue mobility, and thermodynamic stability) indicates that this missense variant is not expected to disrupt GRIN2D protein function with a negative predictive value of 95%. In summary, the available evidence is currently insufficient to determine the role of this variant in disease. Therefore, it has been classified as a Variant of Uncertain Significance.